The following is an entry in ClinVar:

NM_031476.4(CRISPLD2):c.360-7C>T

Gene: CRISPLD2 (cysteine rich secretory protein LCCL domain containing 2; plus strand). Cytogenetic location: 16q24.1.
Variant type: single nucleotide variant.
Coding change: c.360-7C>T on transcript NM_031476.4 (MANE Select); 7 bases into the intron before coding-DNA position 360, C replaced by T.
Molecular consequence: intron variant.
Genome position (GRCh38, 1-based): chr16:84,849,378, C>T. VCF-style: chr16-84849378-C-T. GRCh37 (hg19) VCF-style: chr16-84882984-C-T.
Identifiers: ClinVar variation 3051548 (VCV003051548.2), dbSNP rs550003217, ClinGen allele CA8211489.
Genomic context (GRCh38, chr16:84,849,378, plus strand): 5'-CTGCTGCTGTCTCCACTGGTGGGTGAGGGGAGGGGCTGGGACTGAGTGAGCGGTTTCTGC[C>T]CTGCAGGTATCGCTCTCCGGGGTTCCATGTGCAGTCCTGGTATGACGAGGTGAAGGACTA-3'

ClinVar aggregate classification (germline): Likely benign (0 of 4 stars; one submission).

Conditions:
CRISPLD2-related disorder. Also called: CRISPLD2-related condition.

Allele frequency attached by ClinVar (database versions not stated): gnomAD exomes 0.00002; ExAC 0.00005; gnomAD 0.00007; TOPMed 0.00014; 1000 Genomes Project 30x 0.00031; 1000 Genomes Project 0.00040.
gnomAD v4.1: 39 of 1,611,104 alleles (0.0024%); highest among the groups gnomAD compares: African/African-American, 0.032%; no homozygotes.

Submission:

PreventionGenetics, part of Exact Sciences
Classification: Likely benign for CRISPLD2-related condition. Last evaluated: 2023-06-21. Review status: no assertion criteria provided. Collection method: clinical testing. Allele origin: germline.
Comment: This variant is classified as likely benign based on ACMG/AMP sequence variant interpretation guidelines (Richards et al. 2015 PMID: 25741868, with internal and published modifications).